The following is an entry in ClinVar:

NM_006950.3(SYN1):c.1615G>A (p.Gly539Ser)

Gene: SYN1 (synapsin I; minus strand). Cytogenetic location: Xp11.3.
Variant type: single nucleotide variant.
Coding change: c.1615G>A on transcript NM_006950.3 (MANE Select); coding-DNA position 1615, G replaced by A.
Protein change: p.Gly539Ser; replaces glycine 539 with serine.
Molecular consequence: missense variant.
Genome position (GRCh38, 1-based): chrX:47,574,369, C>T on the plus strand (G>A on the coding strand, the complement: SYN1 is on the minus strand). VCF-style: chrX-47574369-C-T. GRCh37 (hg19) VCF-style: chrX-47433768-C-T.
Other names: p.G539S:GGC>AGC; c.1615G>A, p.Gly539Ser (NM_133499.2); short protein forms G539S.
Identifiers: ClinVar variation 194129 (VCV000194129.26), dbSNP rs794727076, ClinGen allele CA239960.

ClinVar aggregate classification (germline): Conflicting classifications of pathogenicity. Review status: criteria provided, conflicting classifications (1 of 4 stars). 10 submissions from 10 submitters: Uncertain significance (5); Likely benign (2). 3 of the submissions do not count toward it. Last evaluated 2026-01-03.

Conditions:
SYN1-related disorder. Also called: SYN1-Related Disorders; SYN1-related condition.
Inborn genetic diseases. Identifiers: MedGen C0950123, MeSH D030342.
Epilepsy, X-linked 1, with variable learning disabilities and behavior disorders. Also called: X-linked epilepsy-learning disabilities-behavior disorders syndrome. Identifiers: Orphanet 85294, MedGen C5774177, MONDO:0010339, OMIM 300491.

Allele frequency attached by ClinVar (database versions not stated): gnomAD exomes 0.00021 and 0.00052; gnomAD 0.00053 and 0.00058; TOPMed 0.00060; 1000 Genomes Project 30x 0.00104.
gnomAD v4.1: 269 of 1,022,489 alleles (0.026%); highest among the groups gnomAD compares: Middle Eastern, 0.12%; 1 homozygote.

Submissions (10):

Labcorp Genetics (formerly Invitae), Labcorp
Classification: Likely benign for Epilepsy, X-linked 1, with variable learning disabilities and behavior disorders. Last evaluated: 2026-01-03. Review status: criteria provided, single submitter. Criteria: Invitae Variant Classification Sherloc (09022015). Collection method: clinical testing. Allele origin: germline.

Genomic Medicine Center of Excellence, King Faisal Specialist Hospital and Research Centre
Classification: Uncertain significance for Epilepsy, X-linked 1, with variable learning disabilities and behavior disorders. Last evaluated: 2025-09-10. Review status: criteria provided, single submitter. Criteria: ACMG Guidelines, 2015. Collection method: clinical testing. Allele origin: germline.

Blueprint Genetics
Classification: Likely benign. Last evaluated: 2024-07-22. Review status: criteria provided, single submitter. Criteria: ACMG Guidelines, 2015. Collection method: clinical testing. Allele origin: germline.

Ambry Genetics
Classification: Uncertain significance for Inborn genetic diseases. Last evaluated: 2020-05-19. Review status: criteria provided, single submitter. Criteria: Ambry Variant Classification Scheme 2023. Collection method: clinical testing. Allele origin: germline.

Athena Diagnostics
Classification: Uncertain significance. Last evaluated: 2020-02-12. Review status: criteria provided, single submitter. Criteria: Athena Diagnostics Criteria. Collection method: clinical testing. Allele origin: unknown.

Eurofins Ntd Llc (ga)
Classification: Uncertain significance. Last evaluated: 2017-12-22. Review status: criteria provided, single submitter. Criteria: EGL Classification Definitions 2015. Collection method: clinical testing. Allele origin: germline. Observed: 2 variant alleles, 1 heterozygote, 1 hemizygote.

GeneDx
Classification: Uncertain significance. Last evaluated: 2015-02-27. Review status: criteria provided, single submitter. Criteria: GeneDx Variant Classification (06012015). Collection method: clinical testing. Allele origin: germline. Affected: yes.
Comment: The G539S missense change has not been published as a mutation, nor has it been reported as a benign polymorphism to our knowledge. It was not observed in approximately 1,400 individuals of European and African American ancestry in the NHLBI Exome Sequencing Project, indicating it is not a common benign variant in these populations. The G539S variant is a non-conservative amino acid substitution, which is likely to impact secondary protein structure as these residues differ in polarity, charge, size and/or other properties. However, this substitution alters a position that is poorly conserved across species, and in silico analysis predicts G539S likely does not alter the protein structure/function. The variant is found in EPILEPSY panel(s).

PreventionGenetics, part of Exact Sciences
Classification: Likely benign for SYN1-related condition. Last evaluated: 2023-08-03. Review status: no assertion criteria provided. Collection method: clinical testing. Allele origin: germline. Not counted in ClinVar's aggregate classification.
Comment: This variant is classified as likely benign based on ACMG/AMP sequence variant interpretation guidelines (Richards et al. 2015 PMID: 25741868, with internal and published modifications).

Clinical Genetics DNA and cytogenetics Diagnostics Lab, Erasmus MC, Erasmus Medical Center
Classification: Likely benign. Review status: no assertion criteria provided. Collection method: clinical testing. Allele origin: germline. Affected: yes. Study: VKGL Data-share Consensus. Not counted in ClinVar's aggregate classification.

Genome Diagnostics Laboratory, University Medical Center Utrecht
Classification: Likely benign. Review status: no assertion criteria provided. Collection method: clinical testing. Allele origin: germline. Affected: yes. Study: VKGL Data-share Consensus. Not counted in ClinVar's aggregate classification.